The following is an entry in ClinVar:

NM_001394014.1(CDC42BPA):c.2652G>A (p.Ser884=)

Gene: CDC42BPA (CDC42 binding protein kinase alpha; minus strand). Cytogenetic location: 1q42.13.
Variant type: single nucleotide variant.
Coding change: c.2652G>A on transcript NM_001394014.1 (MANE Select); coding-DNA position 2652, G replaced by A.
Protein change: p.Ser884=; no amino-acid change (serine 884 retained).
Molecular consequence: synonymous variant.
Genome position (GRCh38, 1-based): chr1:227,073,947, C>T on the plus strand (G>A on the coding strand, the complement: CDC42BPA is on the minus strand). VCF-style: chr1-227073947-C-T. GRCh37 (hg19) VCF-style: chr1-227261648-C-T.
Other names: c.2652G>A, p.Ser884= (NM_001366010.2, NM_001366011.1, NM_001366019.2 and 2 more transcripts); c.2409G>A, p.Ser803= (NM_014826.5).
Identifiers: ClinVar variation 773420 (VCV000773420.28), dbSNP rs35017425, ClinGen allele CA1426606.

ClinVar aggregate classification (germline): Benign/Likely benign. Review status: criteria provided, multiple submitters, no conflicts (2 of 4 stars). 2 submissions from 2 submitters: Benign (1); Likely benign (1). Last evaluated 2023-03-01.

Allele frequency attached by ClinVar (database versions not stated): 1000 Genomes Project 0.00220; 1000 Genomes Project 30x 0.00234; TOPMed 0.00276; gnomAD 0.00293 and 0.00298; gnomAD exomes 0.00331 and 0.00412; ExAC 0.00351; ESP Exome Variant Server 0.00377.
gnomAD v4.1: 6,445 of 1,612,348 alleles (0.4%); highest among the groups gnomAD compares: Non-Finnish European, 0.46%; 20 homozygotes.

Submissions (2):

CeGaT Center for Human Genetics Tuebingen
Classification: Likely benign. Last evaluated: 2023-03-01. Review status: criteria provided, single submitter. Criteria: CeGaT Center For Human Genetics Tuebingen Variant Classification Criteria Version 2. Collection method: clinical testing. Allele origin: germline. Affected: yes. Observed: 1 variant allele.
Comment: CDC42BPA: BP4, BP7, BS2

Labcorp Genetics (formerly Invitae), Labcorp
Classification: Benign. Last evaluated: 2019-12-31. Review status: criteria provided, single submitter. Criteria: Invitae Variant Classification Sherloc (09022015). Collection method: clinical testing. Allele origin: germline.